The following is an entry in ClinVar:

ClinVar aggregate classification (germline): Uncertain significance (1 of 4 stars; one submission).

Conditions:
TH-deficient dopa-responsive dystonia. Also called: Tyrosine Hydroxylase-Deficient Dopa-Responsive Dystonia; Segawa syndrome, autosomal recessive; DYT-TH. Identifiers: Orphanet 101150, MedGen C2673535, MONDO:0011551, OMIM 605407.

gnomAD v4.1: 2 of 1,613,532 alleles (0.00012%); highest among the groups gnomAD compares: Non-Finnish European, 0.000085%; no homozygotes.

Submission:

Labcorp Genetics (formerly Invitae), Labcorp
Classification: Uncertain significance for TH-deficient dopa-responsive dystonia. Last evaluated: 2024-08-28. Review status: criteria provided, single submitter. Criteria: Invitae Variant Classification Sherloc (09022015). Collection method: clinical testing. Allele origin: germline.
Comment: This sequence change replaces lysine, which is basic and polar, with glutamine, which is neutral and polar, at codon 213 of the TH protein (p.Lys213Gln). This variant is present in population databases (rs749564862, gnomAD 0.0009%). This variant has not been reported in the literature in individuals affected with TH-related conditions. Invitae Evidence Modeling of protein sequence and biophysical properties (such as structural, functional, and spatial information, amino acid conservation, physicochemical variation, residue mobility, and thermodynamic stability) has been performed for this missense variant. However, the output from this modeling did not meet the statistical confidence thresholds required to predict the impact of this variant on TH protein function. In summary, the available evidence is currently insufficient to determine the role of this variant in disease. Therefore, it has been classified as a Variant of Uncertain Significance.

NM_000360.4(TH):c.544A>C (p.Lys182Gln)

Gene: TH (tyrosine hydroxylase; minus strand). Cytogenetic location: 11p15.5.
Variant type: single nucleotide variant.
Coding change: c.544A>C on transcript NM_000360.4 (MANE Select); coding-DNA position 544, A replaced by C.
Protein change: p.Lys182Gln; replaces lysine 182 with glutamine.
Molecular consequence: missense variant.
Genome position (GRCh38, 1-based): chr11:2,168,123, T>G on the plus strand (A>C on the coding strand, the complement: TH is on the minus strand). VCF-style: chr11-2168123-T-G. GRCh37 (hg19) VCF-style: chr11-2189353-T-G.
Other names: c.625A>C, p.Lys209Gln (NM_199293.3); c.637A>C, p.Lys213Gln (NM_199292.3); short protein forms K182Q, K213Q, K209Q.
Identifiers: ClinVar variation 3668987 (VCV003668987.2).
Genomic context (GRCh38, chr11:2,168,123, plus strand): 5'-AGGCCTGAGTGAGGGGCGCACCACTCACCGGGTGGTCCAAGTCCAGGTCAGGGTCGAACT[T>G]GGTGACCAGGTGATGACACTTGTCCAGCTCTGACACTTTTCTTGGGAACCAGGGGACTTT-3'
Protein context (NP_000351.2, residues 172-192): ELDKCHHLVT[Lys182Gln]FDPDLDLDHP